The following is an entry in ClinVar:

ClinVar aggregate classification (germline): Pathogenic (1 of 4 stars; one submission).

Conditions:
GLUT1 deficiency syndrome 1, autosomal recessive. Identifiers: MedGen C3149117.

Submission:

Labcorp Genetics (formerly Invitae), Labcorp
Classification: Pathogenic for GLUT1 deficiency syndrome 1, autosomal recessive. Last evaluated: 2025-05-30. Review status: criteria provided, single submitter. Criteria: Invitae Variant Classification Sherloc (09022015). Collection method: clinical testing. Allele origin: germline.
Comment: This sequence change creates a premature translational stop signal (p.Arg334Hisfs*46) in the SLC2A1 gene. It is expected to result in an absent or disrupted protein product. Loss-of-function variants in SLC2A1 are known to be pathogenic (PMID: 21832227, 26193382). This variant is not present in population databases (gnomAD no frequency). This variant has not been reported in the literature in individuals affected with SLC2A1-related conditions. For these reasons, this variant has been classified as Pathogenic.

Literature cited by the submitters: PubMed 21832227; PubMed 26193382.

NM_006516.4(SLC2A1):c.1001_1002del (p.Arg334fs)

Gene: SLC2A1 (solute carrier family 2 member 1; minus strand). Cytogenetic location: 1p34.2.
Variant type: Deletion.
Coding change: c.1001_1002del on transcript NM_006516.4 (MANE Select); coding-DNA positions 1001 to 1002, 2 bases deleted (GG; older notation c.1001_1002delGG).
Protein change: p.Arg334fs; shifts the reading frame from arginine 334.
Molecular consequence: frameshift variant.
Genome position (GRCh38, 1-based): chr1:42,929,004-42,929,005, CC deleted on the plus strand (GG on the coding strand, the reverse complement: SLC2A1 is on the minus strand). VCF-style (leftmost placement, unchanged base first): chr1-42929003-TCC-T. GRCh37 (hg19) VCF-style: chr1-43394674-TCC-T.
Other names: short protein forms R334fs.
Identifiers: ClinVar variation 4720467 (VCV004720467.1).